The following is an entry in ClinVar:

NM_001378120.1(MBD5):c.5110A>G (p.Thr1704Ala)

Gene: MBD5 (methyl-CpG binding domain protein 5; plus strand). Cytogenetic location: 2q23.1.
Variant type: single nucleotide variant.
Coding change: c.5110A>G on transcript NM_001378120.1 (MANE Select); coding-DNA position 5110, A replaced by G.
Protein change: p.Thr1704Ala; replaces threonine 1704 with alanine.
Molecular consequence: missense variant.
Genome position (GRCh38, 1-based): chr2:148,510,133, A>G. VCF-style: chr2-148510133-A-G. GRCh37 (hg19) VCF-style: chr2-149267702-A-G.
Other names: c.4411A>G, p.Thr1471Ala (NM_018328.5); short protein forms T1471A, T1704A.
Identifiers: ClinVar variation 3644000 (VCV003644000.2).
Genomic context (GRCh38, chr2:148,510,133, plus strand): 5'-AATAACCATTTAGAAGCTGCTATTCATGAGGCCATGAGTGAACTGGACAAAATGTCTGGG[A>G]CTGTAAGTTAATTTATTTTTCCATTATACTACGTTTCTTTGAAAATAAATTGTGTTACAC-3'
Protein context (NP_001365049.1, residues 1694-1714): AMSELDKMSG[Thr1704Ala]VHQIPQGDRQ

ClinVar aggregate classification (germline): Uncertain significance (1 of 4 stars; one submission).

Conditions:
Intellectual developmental disorder, autosomal dominant 1. Also called: MBD5 Haploinsufficiency; Intellectual disability, autosomal dominant 1. Identifiers: Orphanet 228402, MedGen C1969562, MONDO:0007974, OMIM 156200.

Submission:

Labcorp Genetics (formerly Invitae), Labcorp
Classification: Uncertain significance for Intellectual developmental disorder, autosomal dominant 1. Last evaluated: 2025-12-08. Review status: criteria provided, single submitter. Criteria: Invitae Variant Classification Sherloc (09022015). Collection method: clinical testing. Allele origin: germline.
Comment: This sequence change replaces threonine, which is neutral and polar, with alanine, which is neutral and non-polar, at codon 1471 of the MBD5 protein (p.Thr1471Ala). This variant is not present in population databases (gnomAD no frequency). This variant has not been reported in the literature in individuals affected with MBD5-related conditions. ClinVar contains an entry for this variant (Variation ID: 3644000). Experimental studies and prediction algorithms are not available or were not evaluated, and the functional significance of this variant is currently unknown. In summary, the available evidence is currently insufficient to determine the role of this variant in disease. Therefore, it has been classified as a Variant of Uncertain Significance.